The following is an entry in ClinVar:

NM_003907.3(EIF2B5):c.139C>A (p.Leu47Met)

Genes: EIF2B5 (eukaryotic translation initiation factor 2B subunit epsilon; plus strand), LOC129938041 (ATAC-STARR-seq lymphoblastoid silent region 14954; plus strand). Cytogenetic location: 3q27.1.
Variant type: single nucleotide variant.
Coding change: c.139C>A on transcript NM_003907.3 (MANE Select); coding-DNA position 139, C replaced by A.
Protein change: p.Leu47Met; replaces leucine 47 with methionine.
Molecular consequence: missense variant.
Genome position (GRCh38, 1-based): chr3:184,135,524, C>A. VCF-style: chr3-184135524-C-A. GRCh37 (hg19) VCF-style: chr3-183853312-C-A.
Other names: c.139C>A (NM_003907.2); short protein forms L47M.
Identifiers: ClinVar variation 2142794 (VCV002142794.3), dbSNP rs756789217, ClinGen allele CA2726323.

ClinVar aggregate classification (germline): Uncertain significance. Review status: criteria provided, multiple submitters, no conflicts (2 of 4 stars). 2 submissions from 2 submitters: Uncertain significance (2). Last evaluated 2023-06-12.

Conditions:
Inborn genetic diseases. Identifiers: MedGen C0950123, MeSH D030342.

Allele frequency attached by ClinVar (database versions not stated): gnomAD 0.00002; ExAC 0.00037.

Submissions (2):

Ambry Genetics
Classification: Uncertain significance for Inborn genetic diseases. Last evaluated: 2023-06-12. Review status: criteria provided, single submitter. Criteria: Ambry Variant Classification Scheme 2023. Collection method: clinical testing. Allele origin: germline.

Labcorp Genetics (formerly Invitae), Labcorp
Classification: Uncertain significance. Last evaluated: 2021-09-17. Review status: criteria provided, single submitter. Criteria: Invitae Variant Classification Sherloc (09022015). Collection method: clinical testing. Allele origin: germline.
Comment: This sequence change replaces leucine with methionine at codon 47 of the EIF2B5 protein (p.Leu47Met). The leucine residue is highly conserved and there is a small physicochemical difference between leucine and methionine. This variant is present in population databases (rs756789217, ExAC 0.1%). This variant has not been reported in the literature in individuals with EIF2B5-related conditions. Algorithms developed to predict the effect of missense changes on protein structure and function are either unavailable or do not agree on the potential impact of this missense change (SIFT: "Deleterious"; PolyPhen-2: "Probably Damaging"; Align-GVGD: "Class C0"). In summary, the available evidence is currently insufficient to determine the role of this variant in disease. Therefore, it has been classified as a Variant of Uncertain Significance.